The following is an entry in ClinVar:

NM_000154.2(GALK1):c.859C>T (p.Arg287Cys)

Gene: GALK1 (galactokinase 1; minus strand). Cytogenetic location: 17q25.1.
Variant type: single nucleotide variant.
Coding change: c.859C>T on transcript NM_000154.2 (MANE Select); coding-DNA position 859, C replaced by T.
Protein change: p.Arg287Cys; replaces arginine 287 with cysteine.
Molecular consequence: missense variant.
Genome position (GRCh38, 1-based): chr17:75,758,534, G>A on the plus strand (C>T on the coding strand, the complement: GALK1 is on the minus strand). VCF-style: chr17-75758534-G-A. GRCh37 (hg19) VCF-style: chr17-73754615-G-A.
Other names: c.859C>T, p.Arg287Cys (NM_001381985.1); short protein forms R287C.
Identifiers: ClinVar variation 2166941 (VCV002166941.1), dbSNP rs771667085, ClinGen allele CA8770806.
Genomic context (GRCh38, chr17:75,758,534, plus strand): 5'-TGAGGCGGCCAAAGGCTCTGTAGTCGCCACGTCTCAGGGCGGCCGCTGCCTGGGCCGTGC[G>A]CCGAATCTCCCCCACCACGTGCCGGGCCCGCCGGAAGCCCTCTTTGCTCACCAGGTCCCT-3'
Protein context (NP_000145.1, residues 277-297): RARHVVGEIR[Arg287Cys]TAQAAAALRR

ClinVar aggregate classification (germline): Uncertain significance (1 of 4 stars; one submission).

Conditions:
Deficiency of galactokinase. Also called: Galactokinase deficiency with cataracts; GALACTOSEMIA II. Identifiers: Orphanet 352, Orphanet 79237, MedGen C0268155, MONDO:0009255, OMIM 230200.

Allele frequency attached by ClinVar (database versions not stated): gnomAD 0.00001; TOPMed 0.00001; ExAC 0.00004.
gnomAD v4.1: 5 of 1,593,008 alleles (0.00031%); highest among the groups gnomAD compares: South Asian, 0.0023%; no homozygotes.

Submission:

Labcorp Genetics (formerly Invitae), Labcorp
Classification: Uncertain significance for Deficiency of galactokinase. Last evaluated: 2021-12-20. Review status: criteria provided, single submitter. Criteria: Invitae Variant Classification Sherloc (09022015). Collection method: clinical testing. Allele origin: germline.
Comment: This sequence change replaces arginine, which is basic and polar, with cysteine, which is neutral and slightly polar, at codon 287 of the GALK1 protein (p.Arg287Cys). The frequency data for this variant in the population databases is considered unreliable, as metrics indicate poor data quality at this position in the gnomAD database. This variant has not been reported in the literature in individuals affected with GALK1-related conditions. Algorithms developed to predict the effect of missense changes on protein structure and function are either unavailable or do not agree on the potential impact of this missense change (SIFT: "Deleterious"; PolyPhen-2: "Probably Damaging"; Align-GVGD: "Class C0"). In summary, the available evidence is currently insufficient to determine the role of this variant in disease. Therefore, it has been classified as a Variant of Uncertain Significance.